The following is an entry in ClinVar:

ClinVar aggregate classification (germline): Uncertain significance (1 of 4 stars; one submission).

Conditions:
Hereditary cancer-predisposing syndrome. Also called: Neoplastic Syndromes, Hereditary; Hereditary neoplastic syndrome; Tumor predisposition; Hereditary Cancer Syndrome. Identifiers: Orphanet 140162, MedGen C0027672, MeSH D009386, MONDO:0015356.

Submission:

Ambry Genetics
Classification: Uncertain significance for Hereditary cancer-predisposing syndrome. Last evaluated: 2026-02-16. Review status: criteria provided, single submitter. Criteria: Ambry Variant Classification Scheme 2023. Collection method: clinical testing. Allele origin: germline.
Comment: The p.R999T variant (also known as c.2996G>C), located in coding exon 19 of the BRIP1 gene, results from a G to C substitution at nucleotide position 2996. The arginine at codon 999 is replaced by threonine, an amino acid with similar properties. This amino acid position is conserved. In addition, this alteration is predicted to be tolerated by in silico analysis. Based on the available evidence, the clinical significance of this variant remains unclear.

NM_032043.3(BRIP1):c.2996G>C (p.Arg999Thr)

Gene: BRIP1 (BRCA1 interacting DNA helicase 1; minus strand). Cytogenetic location: 17q23.2.
Variant type: single nucleotide variant.
Coding change: c.2996G>C on transcript NM_032043.3 (MANE Select); coding-DNA position 2996, G replaced by C.
Protein change: p.Arg999Thr; replaces arginine 999 with threonine.
Molecular consequence: missense variant.
Genome position (GRCh38, 1-based): chr17:61,684,050, C>G on the plus strand (G>C on the coding strand, the complement: BRIP1 is on the minus strand). VCF-style: chr17-61684050-C-G. GRCh37 (hg19) VCF-style: chr17-59761411-C-G.
Other names: short protein forms R999T.
Identifiers: ClinVar variation 4823950 (VCV004823950.1).
Genomic context (GRCh38, chr17:61,684,050, plus strand): 5'-GCCTTCGGTATTTTACCAGTAAAATACTGTCCCAAAGAATTAAAGCTTGACCAGCTAACT[C>G]TCTTTGTTTGTTTGTTGAAAGTTGGGCTTGTGGATCTGGAAATCACAATTTTTTCTGCTT-3'
Protein context (NP_114432.2, residues 989-1009): TSPTFNKQTK[Arg999Thr]VSWSSFNSLG